The following is an entry in ClinVar:

NM_000057.4(BLM):c.106A>G (p.Thr36Ala)

Gene: BLM (BLM RecQ like helicase; plus strand). Cytogenetic location: 15q26.1.
Variant type: single nucleotide variant.
Coding change: c.106A>G on transcript NM_000057.4 (MANE Select); coding-DNA position 106, A replaced by G.
Protein change: p.Thr36Ala; replaces threonine 36 with alanine.
Molecular consequence: missense variant. On other transcripts: 5 prime UTR variant (1).
Genome position (GRCh38, 1-based): chr15:90,749,374, A>G. VCF-style: chr15-90749374-A-G. GRCh37 (hg19) VCF-style: chr15-91292604-A-G.
Other names: c.106A>G, p.Thr36Ala (NM_001287246.2, NM_001287247.2); c.-1186A>G (NM_001287248.2); short protein forms T36A.
Identifiers: ClinVar variation 1519429 (VCV001519429.9), dbSNP rs1714362154, ClinGen allele CA393839306.

ClinVar aggregate classification (germline): Uncertain significance. Review status: criteria provided, multiple submitters, no conflicts (2 of 4 stars). 2 submissions from 2 submitters: Uncertain significance (2). Last evaluated 2026-01-11.

Conditions:
Hereditary cancer-predisposing syndrome. Also called: Hereditary neoplastic syndrome; Hereditary Cancer Syndrome; Tumor predisposition; Neoplastic Syndromes, Hereditary. Identifiers: Orphanet 140162, MedGen C0027672, MeSH D009386, MONDO:0015356.
Bloom syndrome (BLM). Also called: Bloom-Torre-Machacek syndrome. Identifiers: Orphanet 125, MedGen C0005859, MONDO:0008876, OMIM 210900.

Allele frequency attached by ClinVar (database versions not stated): gnomAD exomes below 0.00001; TOPMed below 0.00001; gnomAD 0.00001.
gnomAD v4.1: 3 of 1,599,266 alleles (0.00019%); highest among the groups gnomAD compares: African/African-American, 0.004%; no homozygotes.

Submissions (2):

Labcorp Genetics (formerly Invitae), Labcorp
Classification: Uncertain significance for Bloom syndrome. Last evaluated: 2026-01-11. Review status: criteria provided, single submitter. Criteria: Invitae Variant Classification Sherloc (09022015). Collection method: clinical testing. Allele origin: germline.
Comment: This sequence change replaces threonine, which is neutral and polar, with alanine, which is neutral and non-polar, at codon 36 of the BLM protein (p.Thr36Ala). This variant is not present in population databases (gnomAD no frequency). This variant has not been reported in the literature in individuals affected with BLM-related conditions. ClinVar contains an entry for this variant (Variation ID: 1519429). An algorithm developed to predict the effect of missense changes on protein structure and function (PolyPhen-2) suggests that this variant is likely to be disruptive. In summary, the available evidence is currently insufficient to determine the role of this variant in disease. Therefore, it has been classified as a Variant of Uncertain Significance.

Ambry Genetics
Classification: Uncertain significance for Hereditary cancer-predisposing syndrome. Last evaluated: 2024-05-04. Review status: criteria provided, single submitter. Criteria: Ambry Variant Classification Scheme 2023. Collection method: clinical testing. Allele origin: germline.
Comment: The p.T36A variant (also known as c.106A>G), located in coding exon 2 of the BLM gene, results from an A to G substitution at nucleotide position 106. The threonine at codon 36 is replaced by alanine, an amino acid with similar properties. This amino acid position is conserved. In addition, this alteration is predicted to be tolerated by in silico analysis. Since supporting evidence is limited at this time, the clinical significance of this alteration remains unclear.